The following is an entry in ClinVar:

NM_004984.4(KIF5A):c.136C>G (p.Pro46Ala)

Gene: KIF5A (kinesin family member 5A; plus strand). Cytogenetic location: 12q13.3.
Variant type: single nucleotide variant.
Coding change: c.136C>G on transcript NM_004984.4 (MANE Select); coding-DNA position 136, C replaced by G.
Protein change: p.Pro46Ala; replaces proline 46 with alanine.
Molecular consequence: missense variant. On other transcripts: intron variant (1).
Genome position (GRCh38, 1-based): chr12:57,563,445, C>G. VCF-style: chr12-57563445-C-G. GRCh37 (hg19) VCF-style: chr12-57957228-C-G.
Other names: c.130-1015C>G (NM_001354705.2); short protein forms P46A.
Identifiers: ClinVar variation 2181708 (VCV002181708.4), dbSNP rs1881971668, ClinGen allele CA385492178.

ClinVar aggregate classification (germline): Uncertain significance (1 of 4 stars; one submission).

Conditions:
Spastic paraplegia. Identifiers: MedGen C0037772, HP:0001258.

Allele frequency attached by ClinVar (database versions not stated): gnomAD exomes below 0.00001.
gnomAD v4.1: 1 of 1,610,414 alleles (0.000062%); highest among the groups gnomAD compares: East Asian, 0.0022%; no homozygotes.

Submission:

Labcorp Genetics (formerly Invitae), Labcorp
Classification: Uncertain significance for Spastic paraplegia. Last evaluated: 2022-01-07. Review status: criteria provided, single submitter. Criteria: Invitae Variant Classification Sherloc (09022015). Collection method: clinical testing. Allele origin: germline.
Comment: In summary, the available evidence is currently insufficient to determine the role of this variant in disease. Therefore, it has been classified as a Variant of Uncertain Significance. Advanced modeling of protein sequence and biophysical properties (such as structural, functional, and spatial information, amino acid conservation, physicochemical variation, residue mobility, and thermodynamic stability) performed at Invitae indicates that this missense variant is not expected to disrupt KIF5A protein function. This missense change has been observed in individual(s) with amyotrophic lateral sclerosis (PMID: 32888732). This variant is not present in population databases (gnomAD no frequency). This sequence change replaces proline, which is neutral and non-polar, with alanine, which is neutral and non-polar, at codon 46 of the KIF5A protein (p.Pro46Ala).

Literature cited by the submitters: PubMed 32888732.